The following is an entry in ClinVar:

NM_004171.4(SLC1A2):c.1588A>G (p.Arg530Gly)

Gene: SLC1A2 (solute carrier family 1 member 2; minus strand). Cytogenetic location: 11p13.
Variant type: single nucleotide variant.
Coding change: c.1588A>G on transcript NM_004171.4 (MANE Select); coding-DNA position 1588, A replaced by G.
Protein change: p.Arg530Gly; replaces arginine 530 with glycine.
Molecular consequence: missense variant.
Genome position (GRCh38, 1-based): chr11:35,265,592, T>C on the plus strand (A>G on the coding strand, the complement: SLC1A2 is on the minus strand). VCF-style: chr11-35265592-T-C. GRCh37 (hg19) VCF-style: chr11-35287139-T-C.
Other names: c.1561A>G, p.Arg521Gly (NM_001195728.3, NM_001252652.2); short protein forms R521G, R530G.
Identifiers: ClinVar variation 3342949 (VCV003342949.1).
Genomic context (GRCh38, chr11:35,265,592, plus strand): 5'-ATTCATCTACTATGACAGAGTTGTGTGCAGCATAGACACATTGATTAGAGTTGCTTTCCC[T>C]GTGGTTCTTCATGTCATCATAAATGGATTGAGTCTTGGTCATTTCAATATCTTCATGCAC-3'
Protein context (NP_004162.2, residues 520-540): QSIYDDMKNH[Arg530Gly]ESNSNQCVYA

ClinVar aggregate classification (germline): Uncertain significance (1 of 4 stars; one submission).

gnomAD v4.1: 11 of 1,612,798 alleles (0.00068%); highest among the groups gnomAD compares: Non-Finnish European, 0.00093%; no homozygotes.

Submission:

GeneDx
Classification: Uncertain significance. Last evaluated: 2023-04-05. Review status: criteria provided, single submitter. Criteria: GeneDx Variant Classification Process June 2021. Collection method: clinical testing. Allele origin: germline. Affected: yes.
Comment: Not observed at significant frequency in large population cohorts (gnomAD); In silico analysis supports that this missense variant does not alter protein structure/function; Has not been previously published as pathogenic or benign to our knowledge